The following is an entry in ClinVar:

NM_003791.4(MBTPS1):c.1782+6G>C

Gene: MBTPS1 (membrane bound transcription factor peptidase, site 1; minus strand). Cytogenetic location: 16q23.3.
Variant type: single nucleotide variant.
Coding change: c.1782+6G>C on transcript NM_003791.4 (MANE Select); 6 bases into the intron after coding-DNA position 1782, G replaced by C.
Molecular consequence: intron variant.
Genome position (GRCh38, 1-based): chr16:84,070,582, C>G on the plus strand (G>C on the coding strand, the complement: MBTPS1 is on the minus strand). VCF-style: chr16-84070582-C-G. GRCh37 (hg19) VCF-style: chr16-84104187-C-G.
Identifiers: ClinVar variation 2175930 (VCV002175930.2), dbSNP rs377660457, ClinGen allele CA8201189.

ClinVar aggregate classification (germline): Uncertain significance (1 of 4 stars; one submission).

Allele frequency attached by ClinVar (database versions not stated): gnomAD exomes 0.00003; ExAC 0.00005; ESP Exome Variant Server 0.00008; TOPMed 0.00011; gnomAD 0.00015; 1000 Genomes Project 30x 0.00031; 1000 Genomes Project 0.00040.
gnomAD v4.1: 73 of 1,611,346 alleles (0.0045%); highest among the groups gnomAD compares: African/African-American, 0.049%; no homozygotes.

Submission:

Labcorp Genetics (formerly Invitae), Labcorp
Classification: Uncertain significance. Last evaluated: 2022-10-27. Review status: criteria provided, single submitter. Criteria: Invitae Variant Classification Sherloc (09022015). Collection method: clinical testing. Allele origin: germline.
Comment: This variant has not been reported in the literature in individuals affected with MBTPS1-related conditions. This variant is present in population databases (rs377660457, gnomAD 0.06%). This sequence change falls in intron 13 of the MBTPS1 gene. It does not directly change the encoded amino acid sequence of the MBTPS1 protein. It affects a nucleotide within the consensus splice site. Variants that disrupt the consensus splice site are a relatively common cause of aberrant splicing (PMID: 17576681, 9536098). Algorithms developed to predict the effect of sequence changes on RNA splicing suggest that this variant is not likely to affect RNA splicing. In summary, the available evidence is currently insufficient to determine the role of this variant in disease. Therefore, it has been classified as a Variant of Uncertain Significance.

Literature cited by the submitters: PubMed 17576681; PubMed 9536098.